The following is an entry in ClinVar:

NM_002382.5(MAX):c.*44G>A

Gene: MAX (MYC associated transcriptional regulator X; minus strand). Cytogenetic location: 14q23.3.
Variant type: single nucleotide variant.
Coding change: c.*44G>A on transcript NM_002382.5 (MANE Select); 44 bases downstream of the stop codon, G replaced by A.
Molecular consequence: 3 prime UTR variant. On other transcripts: intron variant (2).
Genome position (GRCh38, 1-based): chr14:65,076,432, C>T on the plus strand (G>A on the coding strand, the complement: MAX is on the minus strand). VCF-style: chr14-65076432-C-T. GRCh37 (hg19) VCF-style: chr14-65543150-C-T.
Other names: c.*44G>A (NM_001320415.2, NM_001407094.1, NM_001407095.1 and 7 more transcripts); c.*300G>A (NM_001407096.1, NM_001407099.1, NM_001407102.1 and 2 more transcripts); c.*316G>A (NM_001407097.1, NM_001407100.1, NM_001407101.1 and 4 more transcripts); c.144+17276G>A (NM_001271069.2); c.171+17276G>A (NM_197957.4).
Identifiers: ClinVar variation 313816 (VCV000313816.6), dbSNP rs767990726, ClinGen allele CA7232774.

ClinVar aggregate classification (germline): Likely benign (1 of 4 stars; one submission).

Conditions:
Pheochromocytoma. Also called: MAX-Related Hereditary Paraganglioma-Pheochromocytoma Syndrome. Identifiers: Orphanet 29072, MedGen C0031511, MONDO:0008233, OMIM 171300, HP:0002666.

Allele frequency attached by ClinVar (database versions not stated): ExAC 0.00004; gnomAD exomes 0.00004 and 0.00005; gnomAD 0.00006; TOPMed 0.00006.
gnomAD v4.1: 82 of 1,611,924 alleles (0.0051%); highest among the groups gnomAD compares: East Asian, 0.087%; no homozygotes.

Submission:

Illumina Laboratory Services, Illumina
Classification: Likely benign for Pheochromocytoma. Last evaluated: 2018-01-13. Review status: criteria provided, single submitter. Criteria: ICSL Variant Classification Criteria 13 December 2019. Collection method: clinical testing. Allele origin: germline.
Comment: This variant was observed in the ICSL laboratory as part of a predisposition screen in an ostensibly healthy population. It had not been previously curated by ICSL or reported in the Human Gene Mutation Database (HGMD: prior to June 1st, 2018), and was therefore a candidate for classification through an automated scoring system. Utilizing variant allele frequency, disease prevalence and penetrance estimates, and inheritance mode, an automated score was calculated to assess if this variant is too frequent to cause the disease. Based on the score and internal cut-off values, a variant classified as likely benign is not then subjected to further curation. The score for this variant resulted in a classification of likely benign for this disease.